The following is an entry in ClinVar:

ClinVar aggregate classification (germline): Pathogenic/Likely pathogenic. Review status: criteria provided, multiple submitters, no conflicts (2 of 4 stars). 2 submissions from 2 submitters: Pathogenic (1); Likely pathogenic (1). Last evaluated 2024-02-12.

Conditions:
Familial adenomatous polyposis 1 (FAP1). Also called: FAMILIAL ADENOMATOUS POLYPOSIS 1, ATTENUATED; POLYPOSIS, ADENOMATOUS INTESTINAL. Identifiers: MedGen C2713442, MONDO:0021056, OMIM 175100. Disease mechanism: loss of function.
Hereditary cancer-predisposing syndrome. Also called: Hereditary neoplastic syndrome; Tumor predisposition; Hereditary Cancer Syndrome; Neoplastic Syndromes, Hereditary. Identifiers: Orphanet 140162, MedGen C0027672, MeSH D009386, MONDO:0015356.

Submissions (2):

Ambry Genetics
Classification: Likely pathogenic for Hereditary cancer-predisposing syndrome. Last evaluated: 2024-02-12. Review status: criteria provided, single submitter. Criteria: Ambry Variant Classification Scheme 2023. Collection method: clinical testing. Allele origin: germline.
Comment: The c.4251dupT variant, located in coding exon 15 of the APC gene, results from a duplication of T at nucleotide position 4251, causing a translational frameshift with a predicted alternate stop codon (p.I1418Yfs*5). This alteration occurs at the 3' terminus of theAPC gene, is not expected to trigger nonsense-mediated mRNA decay, and only impacts the last 50.2% of the protein. However, premature stop codons are typically deleterious in nature and a significant portion of the protein is affected (Ambry internal data). This variant is considered to be rare based on population cohorts in the Genome Aggregation Database (gnomAD). Based on the majority of available evidence to date, this variant is likely to be pathogenic.

Myriad Genetics, Inc.
Classification: Pathogenic for Familial adenomatous polyposis 1. Last evaluated: 2023-05-10. Review status: criteria provided, single submitter. Criteria: Myriad Autosomal Dominant, Autosomal Recessive and X-Linked Classification Criteria (2023). Collection method: clinical testing. Allele origin: unknown.
Comment: This variant is considered pathogenic. This variant creates a frameshift predicted to result in premature protein truncation.

NM_000038.6(APC):c.4251dup (p.Ile1418fs)

Gene: APC (APC regulator of Wnt signaling pathway; plus strand). Cytogenetic location: 5q22.2.
Variant type: Duplication.
Coding change: c.4251dup on transcript NM_000038.6 (MANE Select); coding-DNA position 4251, one base duplicated (T; older notation c.4251dupT).
Protein change: p.Ile1418fs; shifts the reading frame from isoleucine 1418.
Molecular consequence: frameshift variant. On other transcripts: non-coding transcript variant (2).
Genome position (GRCh38, 1-based): chr5:112,839,845, T duplicated; the last of 2 consecutive T bases (chr5:112,839,844-112,839,845); duplicating either gives the same sequence. VCF-style (leftmost placement, unchanged base first): chr5-112839843-A-AT. GRCh37 (hg19) VCF-style: chr5-112175540-A-AT.
Other names: c.4251dupT (NM_000038.5); c.4251dup, p.Ile1418fs (NM_001127510.3, NM_001354895.2, NM_001407450.1); c.4197dup, p.Ile1400fs (NM_001127511.3); c.4305dup, p.Ile1436fs (NM_001354896.2, NM_001407447.1, NM_001407448.1 and 1 more transcripts); c.4281dup, p.Ile1428fs (NM_001354897.2); c.4176dup, p.Ile1393fs (NM_001354898.2); c.4167dup, p.Ile1390fs (NM_001354899.2); c.4128dup, p.Ile1377fs (NM_001354900.2); and 12 more; short protein forms I1034fs, I1135fs, I1258fs, I1289fs, I1292fs, I1317fs, I1327fs, I1335fs.
Identifiers: ClinVar variation 2583921 (VCV002583921.3), dbSNP rs2533560020, ClinGen allele CA2582341564.